The following is an entry in ClinVar:

ClinVar aggregate classification (germline): Pathogenic. Review status: criteria provided, single submitter (1 of 4 stars). 2 submissions from 2 submitters: Pathogenic (1). 1 of the submissions does not count toward it. Last evaluated 2021-04-23.

Conditions:
Autosomal recessive osteopetrosis 1. Also called: TCIRG1-Related Autosomal Recessive Osteopetrosis; TCIRG1-Related Osteopetrosis; ALBERS-SCHONBERG DISEASE, AUTOSOMAL RECESSIVE. Identifiers: Orphanet 667, MedGen C1850127, MONDO:0009815, OMIM 259700.

Submissions (2):

Labcorp Genetics (formerly Invitae), Labcorp
Classification: Pathogenic. Last evaluated: 2021-04-23. Review status: criteria provided, single submitter. Criteria: Invitae Variant Classification Sherloc (09022015). Collection method: clinical testing. Allele origin: germline.
Comment: For these reasons, this variant has been classified as Pathogenic. This variant has not been reported in the literature in individuals with TCIRG1-related conditions. ClinVar contains an entry for this variant (Variation ID: 552024). The frequency data for this variant in the population databases is considered unreliable, as metrics indicate insufficient coverage at this position in the ExAC database. This sequence change creates a premature translational stop signal (p.Gln69*) in the TCIRG1 gene. It is expected to result in an absent or disrupted protein product. Loss-of-function variants in TCIRG1 are known to be pathogenic (PMID: 10888887, 10942435, 11532986, 19448635).

Counsyl
Classification: Likely pathogenic for Autosomal recessive osteopetrosis 1. Last evaluated: 2017-05-19. Review status: no assertion criteria provided. Collection method: clinical testing. Allele origin: unknown. Not counted in ClinVar's aggregate classification.

Literature cited by the submitters: PubMed 10888887 (cited by Labcorp Genetics (formerly Invitae), Labcorp); PubMed 10942435 (cited by Labcorp Genetics (formerly Invitae), Labcorp); PubMed 11532986 (cited by Labcorp Genetics (formerly Invitae), Labcorp); PubMed 19448635 (cited by Labcorp Genetics (formerly Invitae), Labcorp).

NM_006019.4(TCIRG1):c.205C>T (p.Gln69Ter)

Gene: TCIRG1 (T cell immune regulator 1, ATPase H+ transporting V0 subunit a3; plus strand). Cytogenetic location: 11q13.2.
Variant type: single nucleotide variant.
Coding change: c.205C>T on transcript NM_006019.4 (MANE Select); coding-DNA position 205, C replaced by T.
Protein change: p.Gln69Ter; replaces glutamine 69 with a stop codon.
Molecular consequence: nonsense. On other transcripts: 5 prime UTR variant (1).
Genome position (GRCh38, 1-based): chr11:68,042,651, C>T. VCF-style: chr11-68042651-C-T. GRCh37 (hg19) VCF-style: chr11-67810118-C-T.
Other names: c.-1045C>T (NM_001351059.2); short protein forms Q69*.
Identifiers: ClinVar variation 552024 (VCV000552024.7), dbSNP rs1554995009, ClinGen allele CA381575145.